The following is an entry in ClinVar:

ClinVar aggregate classification (germline): Uncertain significance (1 of 4 stars; one submission).

Conditions:
Charcot-Marie-Tooth disease axonal type 2O. Also called: Charcot-Marie-Tooth disease, axonal, type 20; CHARCOT-MARIE-TOOTH NEUROPATHY, AXONAL, TYPE 2O; CHARCOT-MARIE-TOOTH DISEASE, AXONAL, AUTOSOMAL DOMINANT, TYPE 2O; Charcot-Marie-Tooth Neuropathy Type 2O. Identifiers: Orphanet 284232, MedGen C3280220, MONDO:0013644, OMIM 614228.

Submission:

Labcorp Genetics (formerly Invitae), Labcorp
Classification: Uncertain significance for Charcot-Marie-Tooth disease axonal type 2O. Last evaluated: 2024-04-02. Review status: criteria provided, single submitter. Criteria: Invitae Variant Classification Sherloc (09022015). Collection method: clinical testing. Allele origin: germline.
Comment: This sequence change replaces serine, which is neutral and polar, with arginine, which is basic and polar, at codon 294 of the DYNC1H1 protein (p.Ser294Arg). This variant is not present in population databases (gnomAD no frequency). This variant has not been reported in the literature in individuals affected with DYNC1H1-related conditions. Advanced modeling of protein sequence and biophysical properties (such as structural, functional, and spatial information, amino acid conservation, physicochemical variation, residue mobility, and thermodynamic stability) performed at Invitae indicates that this missense variant is expected to disrupt DYNC1H1 protein function with a positive predictive value of 95%. In summary, the available evidence is currently insufficient to determine the role of this variant in disease. Therefore, it has been classified as a Variant of Uncertain Significance.

NM_001376.5(DYNC1H1):c.882C>G (p.Ser294Arg)

Gene: DYNC1H1 (dynein cytoplasmic 1 heavy chain 1; plus strand). Cytogenetic location: 14q32.31.
Variant type: single nucleotide variant.
Coding change: c.882C>G on transcript NM_001376.5 (MANE Select); coding-DNA position 882, C replaced by G.
Protein change: p.Ser294Arg; replaces serine 294 with arginine.
Molecular consequence: missense variant.
Genome position (GRCh38, 1-based): chr14:101,980,471, C>G. VCF-style: chr14-101980471-C-G. GRCh37 (hg19) VCF-style: chr14-102446808-C-G.
Other names: short protein forms S294R.
Identifiers: ClinVar variation 3636114 (VCV003636114.2).